The following is an entry in ClinVar:

ClinVar aggregate classification (germline): Uncertain significance. Review status: criteria provided, multiple submitters, no conflicts (2 of 4 stars). 2 submissions from 2 submitters: Uncertain significance (2). Last evaluated 2026-04-28.

Conditions:
Inborn genetic diseases. Identifiers: MedGen C0950123, MeSH D030342.

gnomAD v4.1: 1 of 1,613,810 alleles (0.000062%); highest among the groups gnomAD compares: Non-Finnish European, 0.000085%; no homozygotes.

Submissions (2):

Ambry Genetics
Classification: Uncertain significance for Inborn genetic diseases. Last evaluated: 2026-04-28. Review status: criteria provided, single submitter. Criteria: Ambry Variant Classification Scheme 2023. Collection method: clinical testing. Allele origin: germline.
Comment: The p.A1159P variant (also known as c.3475G>C), located in coding exon 1 of the SAMD9L gene, results from a G to C substitution at nucleotide position 3475. The alanine at codon 1159 is replaced by proline, an amino acid with highly similar properties. This amino acid position is conserved. In addition, the in silico prediction for this alteration is inconclusive. Based on the available evidence, the clinical significance of this variant remains unclear.

Labcorp Genetics (formerly Invitae), Labcorp
Classification: Uncertain significance. Last evaluated: 2023-12-17. Review status: criteria provided, single submitter. Criteria: Invitae Variant Classification Sherloc (09022015). Collection method: clinical testing. Allele origin: germline.
Comment: This sequence change replaces alanine, which is neutral and non-polar, with proline, which is neutral and non-polar, at codon 1159 of the SAMD9L protein (p.Ala1159Pro). This variant is not present in population databases (gnomAD no frequency). This variant has not been reported in the literature in individuals affected with SAMD9L-related conditions. ClinVar contains an entry for this variant (Variation ID: 1362072). Advanced modeling of protein sequence and biophysical properties (such as structural, functional, and spatial information, amino acid conservation, physicochemical variation, residue mobility, and thermodynamic stability) performed at Invitae indicates that this missense variant is expected to disrupt SAMD9L protein function with a positive predictive value of 80%. In summary, the available evidence is currently insufficient to determine the role of this variant in disease. Therefore, it has been classified as a Variant of Uncertain Significance.

NM_152703.5(SAMD9L):c.3475G>C (p.Ala1159Pro)

Gene: SAMD9L (sterile alpha motif domain containing 9 like; minus strand). Cytogenetic location: 7q21.2.
Variant type: single nucleotide variant.
Coding change: c.3475G>C on transcript NM_152703.5 (MANE Select); coding-DNA position 3475, G replaced by C.
Protein change: p.Ala1159Pro; replaces alanine 1159 with proline.
Molecular consequence: missense variant.
Genome position (GRCh38, 1-based): chr7:93,132,497, C>G on the plus strand (G>C on the coding strand, the complement: SAMD9L is on the minus strand). VCF-style: chr7-93132497-C-G. GRCh37 (hg19) VCF-style: chr7-92761810-C-G.
Other names: c.3475G>C (NM_152703.2); c.3475G>C, p.Ala1159Pro (NM_001303496.3, NM_001303497.3, NM_001303498.3 and 5 more transcripts); short protein forms A1159P.
Identifiers: ClinVar variation 1362072 (VCV001362072.7), dbSNP rs1218655554, ClinGen allele CA368182215.